The following is an entry in ClinVar:

NM_005228.5(EGFR):c.499A>T (p.Ile167Leu)

Gene: EGFR (epidermal growth factor receptor; plus strand). Cytogenetic location: 7p11.2.
Variant type: single nucleotide variant.
Coding change: c.499A>T on transcript NM_005228.5 (MANE Select); coding-DNA position 499, A replaced by T.
Protein change: p.Ile167Leu; replaces isoleucine 167 with leucine.
Molecular consequence: missense variant. On other transcripts: intron variant (3).
Genome position (GRCh38, 1-based): chr7:55,146,680, A>T. VCF-style: chr7-55146680-A-T. GRCh37 (hg19) VCF-style: chr7-55214373-A-T.
Other names: c.499A>T, p.Ile167Leu (NM_001346898.2, NM_201282.2, NM_201283.2 and 1 more transcripts); c.340A>T, p.Ile114Leu (NM_001346900.2); c.424+3192A>T (NM_001346899.2, NM_001346897.2); c.89-9150A>T (NM_001346941.2); short protein forms I167L, I114L.
Identifiers: ClinVar variation 2956685 (VCV002956685.4), dbSNP rs2128929534, ClinGen allele CA367576623.

ClinVar aggregate classification (germline): Uncertain significance. Review status: criteria provided, multiple submitters, no conflicts (2 of 4 stars). 2 submissions from 2 submitters: Uncertain significance (2). Last evaluated 2025-06-23.

Conditions:
Hereditary cancer-predisposing syndrome. Also called: Tumor predisposition; Hereditary neoplastic syndrome; Hereditary Cancer Syndrome; Neoplastic Syndromes, Hereditary. Identifiers: Orphanet 140162, MedGen C0027672, MeSH D009386, MONDO:0015356.
EGFR-related lung cancer (EGFR). Identifiers: MedGen CN130014.

Submissions (2):

Ambry Genetics
Classification: Uncertain significance for Hereditary cancer-predisposing syndrome. Last evaluated: 2025-06-23. Review status: criteria provided, single submitter. Criteria: Ambry Variant Classification Scheme 2023. Collection method: clinical testing. Allele origin: germline.
Comment: The p.I167L variant (also known as c.499A>T), located in coding exon 4 of the EGFR gene, results from an A to T substitution at nucleotide position 499. The isoleucine at codon 167 is replaced by leucine, an amino acid with highly similar properties. This amino acid position is conserved. In addition, the in silico prediction for this alteration is inconclusive. Based on the available evidence, the clinical significance of this variant remains unclear.

Labcorp Genetics (formerly Invitae), Labcorp
Classification: Uncertain significance for EGFR-related lung cancer. Last evaluated: 2024-01-19. Review status: criteria provided, single submitter. Criteria: Invitae Variant Classification Sherloc (09022015). Collection method: clinical testing. Allele origin: germline.
Comment: This sequence change replaces isoleucine, which is neutral and non-polar, with leucine, which is neutral and non-polar, at codon 167 of the EGFR protein (p.Ile167Leu). This variant is not present in population databases (gnomAD no frequency). This variant has not been reported in the literature in individuals affected with EGFR-related conditions. An algorithm developed to predict the effect of missense changes on protein structure and function (PolyPhen-2) suggests that this variant is likely to be disruptive. In summary, the available evidence is currently insufficient to determine the role of this variant in disease. Therefore, it has been classified as a Variant of Uncertain Significance.